The following is an entry in ClinVar:

NM_014251.3(SLC25A13):c.1568T>C (p.Leu523Pro)

Gene: SLC25A13 (solute carrier family 25 member 13; minus strand). Cytogenetic location: 7q21.3.
Variant type: single nucleotide variant.
Coding change: c.1568T>C on transcript NM_014251.3 (MANE Select); coding-DNA position 1568, T replaced by C.
Protein change: p.Leu523Pro; replaces leucine 523 with proline.
Molecular consequence: missense variant. On other transcripts: non-coding transcript variant (1).
Genome position (GRCh38, 1-based): chr7:96,131,766, A>G on the plus strand (T>C on the coding strand, the complement: SLC25A13 is on the minus strand). VCF-style: chr7-96131766-A-G. GRCh37 (hg19) VCF-style: chr7-95761078-A-G.
Other names: c.1571T>C, p.Leu524Pro (NM_001160210.2); short protein forms L523P, L524P.
Identifiers: ClinVar variation 3354035 (VCV003354035.2).

ClinVar aggregate classification (germline): Uncertain significance (1 of 4 stars; one submission).

Conditions:
SLC25A13-related disorder. Also called: SLC25A13-related condition.

gnomAD v4.1: 3 of 1,614,026 alleles (0.00019%); highest among the groups gnomAD compares: Non-Finnish European, 0.00025%; no homozygotes.

Submission:

PreventionGenetics, part of Exact Sciences
Classification: Uncertain significance for SLC25A13-related condition. Last evaluated: 2026-08-12. Review status: criteria provided, single submitter. Criteria: ACMG Guidelines, 2015. Collection method: clinical testing. Allele origin: germline.
Comment: The SLC25A13 c.1568T>C variant is predicted to result in the amino acid substitution p.Leu523Pro. To our knowledge, this variant has not been reported in the literature. This variant is reported in 0.00088% of alleles in individuals of European (Non-Finnish) descent in gnomAD. At this time, the clinical significance of this variant is uncertain due to the absence of conclusive functional and genetic evidence.